The following is an entry in ClinVar:

ClinVar aggregate classification (germline): Conflicting classifications of pathogenicity. Review status: criteria provided, conflicting classifications (1 of 4 stars). 3 submissions from 3 submitters: Uncertain significance (2); Likely benign (1). Last evaluated 2025-03-14.

Allele frequency attached by ClinVar (database versions not stated): ExAC 0.00003; gnomAD 0.00003; TOPMed 0.00003; gnomAD exomes 0.00004 and 0.00012; 1000 Genomes Project 0.00020; 1000 Genomes Project 30x 0.00031.
gnomAD v4.1: 181 of 1,610,122 alleles (0.011%); highest among the groups gnomAD compares: Non-Finnish European, 0.015%; no homozygotes.

Submissions (3):

GeneDx
Classification: Uncertain significance. Last evaluated: 2025-03-14. Review status: criteria provided, single submitter. Criteria: GeneDx Variant Classification Process June 2021. Collection method: clinical testing. Allele origin: germline. Affected: yes.
Comment: In silico analysis supports that this missense variant has a deleterious effect on protein structure/function; Has not been previously published as pathogenic or benign to our knowledge

Labcorp Genetics (formerly Invitae), Labcorp
Classification: Likely benign. Last evaluated: 2023-08-10. Review status: criteria provided, single submitter. Criteria: Invitae Variant Classification Sherloc (09022015). Collection method: clinical testing. Allele origin: germline.

Blueprint Genetics
Classification: Uncertain significance. Last evaluated: 2021-09-14. Review status: criteria provided, single submitter. Criteria: ACMG Guidelines, 2015. Collection method: clinical testing. Allele origin: germline.

NM_032119.4(ADGRV1):c.7210G>T (p.Gly2404Cys)

Gene: ADGRV1 (adhesion G protein-coupled receptor V1; plus strand). Cytogenetic location: 5q14.3.
Variant type: single nucleotide variant.
Coding change: c.7210G>T on transcript NM_032119.4 (MANE Select); coding-DNA position 7210, G replaced by T.
Protein change: p.Gly2404Cys; replaces glycine 2404 with cysteine.
Molecular consequence: missense variant. On other transcripts: non-coding transcript variant (1).
Genome position (GRCh38, 1-based): chr5:90,693,966, G>T. VCF-style: chr5-90693966-G-T. GRCh37 (hg19) VCF-style: chr5-89989783-G-T.
Other names: short protein forms G2404C.
Identifiers: ClinVar variation 854496 (VCV000854496.12), dbSNP rs78203228, ClinGen allele CA3340001.
Genomic context (GRCh38, chr5:90,693,966, plus strand): 5'-CGGCTGTTGTTGTTCTACAGTACTTCCGACATTGATGTAGTGGCTCTGGCAATGGAGGAA[G>T]GTCAAGATTTACTGTCCTACTATGAATCTCCAATTCAAGGGGTGCCTGACCCACTTTGGA-3'
Protein context (NP_115495.3, residues 2394-2414): IDVVALAMEE[Gly2404Cys]QDLLSYYESP